The following is an entry in ClinVar:

NM_000540.3(RYR1):c.8992T>A (p.Phe2998Ile)

Gene: RYR1 (ryanodine receptor 1; plus strand). Cytogenetic location: 19q13.2.
Variant type: single nucleotide variant.
Coding change: c.8992T>A on transcript NM_000540.3 (MANE Select); coding-DNA position 8992, T replaced by A.
Protein change: p.Phe2998Ile; replaces phenylalanine 2998 with isoleucine.
Molecular consequence: missense variant.
Genome position (GRCh38, 1-based): chr19:38,510,557, T>A. VCF-style: chr19-38510557-T-A. GRCh37 (hg19) VCF-style: chr19-39001197-T-A.
Other names: c.8992T>A, p.Phe2998Ile (NM_001042723.2); short protein forms F2998I.
Identifiers: ClinVar variation 3072592 (VCV003072592.1), dbSNP rs2514394126, ClinGen allele CA405683475.
Genomic context (GRCh38, chr19:38,510,557, plus strand): 5'-GAGGCTGTGGTCAGCAGTGGGCGAGTGGAAAAGTCCCCACATGAACAGGAGATTAAATTC[T>A]TTGCCAAGGTGAGAGGTGGGCTTAGAAGCTGGAGGGCGCTGGGGACTCATAGGCTCTCCC-3'
Protein context (NP_000531.2, residues 2988-3008): KSPHEQEIKF[Phe2998Ile]AKILLPLINQ

ClinVar aggregate classification (germline): Uncertain significance (1 of 4 stars; one submission).

Conditions:
Malignant hyperthermia, susceptibility to, 1 (MHS1). Also called: Anesthesia related hyperthermia; Malignant hyperpyrexia; Fulminating hyperpyrexia; Pharmacogenic myopathy; RYR1-Related Malignant Hyperthermia Susceptibility; Malignant hyperthermia suceptibility 1. Identifiers: Orphanet 423, MedGen C2930980, MONDO:0007783, OMIM 145600.

Submission:

All of Us Research Program, National Institutes of Health
Classification: Uncertain significance for Malignant hyperthermia, susceptibility to, 1. Last evaluated: 2023-08-08. Review status: criteria provided, single submitter. Criteria: ACMG Guidelines, 2015. Collection method: clinical testing. Allele origin: germline. Inheritance: Autosomal dominant inheritance. Observed: 1 variant allele, 1 heterozygote.
Comment: This missense variant replaces phenylalanine with isoleucine at codon 2998 of the RYR1 protein. Computational prediction is inconclusive regarding the impact of this variant on protein structure and function (internally defined REVEL score threshold 0.5 < inconclusive < 0.7, PMID: 27666373). To our knowledge, functional studies have not been reported for this variant. This variant has not been reported in individuals affected with RYR1-related disorders in the literature. This variant has not been identified in the general population by the Genome Aggregation Database (gnomAD). The available evidence is insufficient to determine the role of this variant in disease conclusively. Therefore, this variant is classified as a Variant of Uncertain Significance.

This study involves interpretation of variants in research participants for the purpose of population health screening. Participant phenotype was not available at the time of variant classification. Additional details can be found in publication PMID: 35346344, PMCID: PMC8962531